The following is an entry in ClinVar:

ClinVar aggregate classification (germline): Benign. Review status: criteria provided, single submitter (1 of 4 stars). 2 submissions from 2 submitters: Benign (1). 1 of the submissions does not count toward it. Last evaluated 2024-10-17.

Conditions:
ARID1B-Related Disorder. Identifiers: MedGen CN381337.

Allele frequency attached by ClinVar (database versions not stated): gnomAD 0.00001.
gnomAD v4.1: 9 of 1,378,338 alleles (0.00065%); highest among the groups gnomAD compares: Admixed American, 0.0053%; no homozygotes.

Submissions (2):

Labcorp Genetics (formerly Invitae), Labcorp
Classification: Benign. Last evaluated: 2024-10-17. Review status: criteria provided, single submitter. Criteria: Invitae Variant Classification Sherloc (09022015). Collection method: clinical testing. Allele origin: germline.

PreventionGenetics, part of Exact Sciences
Classification: Likely benign for ARID1B-related condition. Last evaluated: 2021-08-06. Review status: no assertion criteria provided. Collection method: clinical testing. Allele origin: germline. Not counted in ClinVar's aggregate classification.
Comment: This variant is classified as likely benign based on ACMG/AMP sequence variant interpretation guidelines (Richards et al. 2015 PMID: 25741868, with internal and published modifications).

NM_001374828.1(ARID1B):c.1791+6C>T

Gene: ARID1B (AT-rich interaction domain 1B; plus strand). Cytogenetic location: 6q25.3.
Variant type: single nucleotide variant.
Coding change: c.1791+6C>T on transcript NM_001374828.1 (MANE Select); 6 bases into the intron after coding-DNA position 1791, C replaced by T.
Molecular consequence: intron variant.
Genome position (GRCh38, 1-based): chr6:156,779,477, C>T. VCF-style: chr6-156779477-C-T. GRCh37 (hg19) VCF-style: chr6-157100611-C-T.
Other names: c.1791+6C>T (NM_001371656.1, NM_001374820.1, NM_017519.3); c.1542+6C>T (NM_020732.3).
Identifiers: ClinVar variation 1558619 (VCV001558619.10), dbSNP rs1204011572, ClinGen allele CA821300197.